The following is an entry in ClinVar:

ClinVar aggregate classification (germline): Uncertain significance (1 of 4 stars; one submission).

Submission:

Labcorp Genetics (formerly Invitae), Labcorp
Classification: Uncertain significance. Last evaluated: 2025-11-12. Review status: criteria provided, single submitter. Criteria: Invitae Variant Classification Sherloc (09022015). Collection method: clinical testing. Allele origin: germline.
Comment: This sequence change replaces methionine, which is neutral and non-polar, with isoleucine, which is neutral and non-polar, at codon 223 of the THBD protein (p.Met223Ile). The frequency data for this variant in the population databases is considered unreliable, as metrics indicate poor data quality at this position in the gnomAD database. This variant has not been reported in the literature in individuals affected with THBD-related conditions. Invitae Evidence Modeling of protein sequence and biophysical properties (such as structural, functional, and spatial information, amino acid conservation, physicochemical variation, residue mobility, and thermodynamic stability) indicates that this missense variant is not expected to disrupt THBD protein function with a negative predictive value of 80%. In summary, the available evidence is currently insufficient to determine the role of this variant in disease. Therefore, it has been classified as a Variant of Uncertain Significance.

NM_000361.3(THBD):c.669G>A (p.Met223Ile)

Gene: THBD (thrombomodulin; minus strand). Cytogenetic location: 20p11.21.
Variant type: single nucleotide variant.
Coding change: c.669G>A on transcript NM_000361.3 (MANE Select); coding-DNA position 669, G replaced by A.
Protein change: p.Met223Ile; replaces methionine 223 with isoleucine.
Molecular consequence: missense variant.
Genome position (GRCh38, 1-based): chr20:23,048,836, C>T on the plus strand (G>A on the coding strand, the complement: THBD is on the minus strand). VCF-style: chr20-23048836-C-T. GRCh37 (hg19) VCF-style: chr20-23029473-C-T.
Other names: short protein forms M223I.
Identifiers: ClinVar variation 4780396 (VCV004780396.1).
Genomic context (GRCh38, chr20:23,048,836, plus strand): 5'-CCAAGCGCCCGGCGCCTCCCTGGCCCAGTGCCCCTGGACCGCTCCGGGCGGCGCGGTGCA[C>T]ATTAGCTGTAAGCCGAGGGGAGCCACCGCGGCGGAGCTGCCCACCGGCAGCGCCTGGAAG-3'
Protein context (NP_000352.1, residues 213-233): AAVAPLGLQL[Met223Ile]CTAPPGAVQG